The following is an entry in ClinVar:

NM_007255.3(B4GALT7):c.688G>A (p.Glu230Lys)

Gene: B4GALT7 (beta-1,4-galactosyltransferase 7; plus strand). Cytogenetic location: 5q35.3.
Variant type: single nucleotide variant.
Coding change: c.688G>A on transcript NM_007255.3 (MANE Select); coding-DNA position 688, G replaced by A.
Protein change: p.Glu230Lys; replaces glutamic acid 230 with lysine.
Molecular consequence: missense variant.
Genome position (GRCh38, 1-based): chr5:177,608,587, G>A. VCF-style: chr5-177608587-G-A. GRCh37 (hg19) VCF-style: chr5-177035588-G-A.
Other names: p.Glu230Lys; short protein forms E230K.
Identifiers: ClinVar variation 1702127 (VCV001702127.9), dbSNP rs751946151, ClinGen allele CA3586635.

ClinVar aggregate classification (germline): Uncertain significance. Review status: criteria provided, multiple submitters, no conflicts (2 of 4 stars). 3 submissions from 3 submitters: Uncertain significance (3). Last evaluated 2025-02-17.

Conditions:
Ehlers-Danlos syndrome (EDS). Identifiers: Orphanet 98249, MedGen C0013720, MONDO:0020066.
Spondylodysplastic Ehlers-Danlos syndrome. Identifiers: Orphanet 536471, Orphanet 75496, MedGen C5680154, MONDO:0007526.

Allele frequency attached by ClinVar (database versions not stated): ExAC 0.00001; TOPMed 0.00001.
gnomAD v4.1: 15 of 1,613,892 alleles (0.00093%); highest among the groups gnomAD compares: East Asian, 0.011%; no homozygotes.

Submissions (3):

Mayo Clinic Laboratories, Mayo Clinic
Classification: Uncertain significance. Last evaluated: 2025-02-17. Review status: criteria provided, single submitter. Criteria: ACMG Guidelines, 2015. Collection method: clinical testing. Allele origin: germline. Observed: 1 variant allele.
Comment: PP3_moderate

Labcorp Genetics (formerly Invitae), Labcorp
Classification: Uncertain significance for Spondylodysplastic Ehlers-Danlos syndrome. Last evaluated: 2021-12-01. Review status: criteria provided, single submitter. Criteria: Invitae Variant Classification Sherloc (09022015). Collection method: clinical testing. Allele origin: germline.
Comment: In summary, the available evidence is currently insufficient to determine the role of this variant in disease. Therefore, it has been classified as a Variant of Uncertain Significance. This sequence change replaces glutamic acid, which is acidic and polar, with lysine, which is basic and polar, at codon 230 of the B4GALT7 protein (p.Glu230Lys). This variant is present in population databases (rs751946151, gnomAD 0.003%). This variant has not been reported in the literature in individuals affected with B4GALT7-related conditions. Algorithms developed to predict the effect of missense changes on protein structure and function (SIFT, PolyPhen-2, Align-GVGD) all suggest that this variant is likely to be disruptive.

Genome Diagnostics Laboratory, The Hospital for Sick Children
Classification: Uncertain significance for Ehlers-Danlos syndrome. Last evaluated: 2019-04-01. Review status: criteria provided, single submitter. Criteria: ACMG Guidelines, 2015. Collection method: clinical testing. Allele origin: germline.

Literature cited by the submitters: PubMed 33142350 (cited by Mayo Clinic Laboratories, Mayo Clinic).